The following is an entry in ClinVar:

NM_138395.4(MARS2):c.57T>C (p.Ser19=)

Gene: MARS2 (methionyl-tRNA synthetase 2, mitochondrial; plus strand). Cytogenetic location: 2q33.1.
Variant type: single nucleotide variant.
Coding change: c.57T>C on transcript NM_138395.4 (MANE Select); coding-DNA position 57, T replaced by C.
Protein change: p.Ser19=; no amino-acid change (serine 19 retained).
Molecular consequence: synonymous variant.
Genome position (GRCh38, 1-based): chr2:197,705,462, T>C. VCF-style: chr2-197705462-T-C. GRCh37 (hg19) VCF-style: chr2-198570186-T-C.
Identifiers: ClinVar variation 3681989 (VCV003681989.3).

ClinVar aggregate classification (germline): Conflicting classifications of pathogenicity. Review status: criteria provided, conflicting classifications (1 of 4 stars). 2 submissions from 2 submitters: Uncertain significance (1); Likely benign (1). Last evaluated 2024-03-10.

Submissions (2):

Labcorp Genetics (formerly Invitae), Labcorp
Classification: Uncertain significance. Last evaluated: 2024-03-10. Review status: criteria provided, single submitter. Criteria: Invitae Variant Classification Sherloc (09022015). Collection method: clinical testing. Allele origin: germline.
Comment: This sequence change affects codon 19 of the MARS2 mRNA. It is a 'silent' change, meaning that it does not change the encoded amino acid sequence of the MARS2 protein. This variant is present in population databases (no rsID available, gnomAD 0.004%). This variant has not been reported in the literature in individuals affected with MARS2-related conditions. In summary, the available evidence is currently insufficient to determine the role of this variant in disease. Therefore, it has been classified as a Variant of Uncertain Significance.

Blueprint Genetics
Classification: Likely benign. Last evaluated: 2023-11-30. Review status: criteria provided, single submitter. Criteria: ACMG Guidelines, 2015. Collection method: clinical testing. Allele origin: germline.